The following is an entry in ClinVar:

ClinVar aggregate classification (germline): Uncertain significance (1 of 4 stars; one submission).

Conditions:
Giant axonal neuropathy 1 (GAN1). Also called: GIANT AXONAL NEUROPATHY 1, AUTOSOMAL RECESSIVE; GAN-Related Neurodegeneration. Identifiers: Orphanet 643, MedGen C1850386, MONDO:0009749, OMIM 256850.

gnomAD v4.1: 1 of 1,613,746 alleles (0.000062%); highest among the groups gnomAD compares: Non-Finnish European, 0.000085%; no homozygotes.

Submission:

Labcorp Genetics (formerly Invitae), Labcorp
Classification: Uncertain significance for Giant axonal neuropathy 1. Last evaluated: 2018-11-16. Review status: criteria provided, single submitter. Criteria: Invitae Variant Classification Sherloc (09022015). Collection method: clinical testing. Allele origin: germline.
Comment: In summary, the available evidence is currently insufficient to determine the role of this variant in disease. Therefore, it has been classified as a Variant of Uncertain Significance. Algorithms developed to predict the effect of missense changes on protein structure and function (SIFT, PolyPhen-2, Align-GVGD) all suggest that this variant is likely to be tolerated, but these predictions have not been confirmed by published functional studies and their clinical significance is uncertain. This variant has not been reported in the literature in individuals with GAN-related disease. This variant is not present in population databases (ExAC no frequency). This sequence change replaces proline with glutamine at codon 256 of the GAN protein (p.Pro256Gln). The proline residue is moderately conserved and there is a moderate physicochemical difference between proline and glutamine.

NM_022041.4(GAN):c.767C>A (p.Pro256Gln)

Gene: GAN (gigaxonin; plus strand). Cytogenetic location: 16q23.2.
Variant type: single nucleotide variant.
Coding change: c.767C>A on transcript NM_022041.4 (MANE Select); coding-DNA position 767, C replaced by A.
Protein change: p.Pro256Gln; replaces proline 256 with glutamine.
Molecular consequence: missense variant.
Genome position (GRCh38, 1-based): chr16:81,356,918, C>A. VCF-style: chr16-81356918-C-A. GRCh37 (hg19) VCF-style: chr16-81390523-C-A.
Other names: c.128C>A, p.Pro43Gln (NM_001377486.1); short protein forms P256Q, P43Q.
Identifiers: ClinVar variation 647143 (VCV000647143.6), dbSNP rs773154188, ClinGen allele CA284305031.